The following is an entry in ClinVar:

NM_001278716.2(FBXL4):c.1011G>T (p.Leu337=)

Gene: FBXL4 (F-box and leucine rich repeat protein 4; minus strand). Cytogenetic location: 6q16.2.
Variant type: single nucleotide variant.
Coding change: c.1011G>T on transcript NM_001278716.2 (MANE Select); coding-DNA position 1011, G replaced by T.
Protein change: p.Leu337=; no amino-acid change (leucine 337 retained).
Molecular consequence: synonymous variant. On other transcripts: non-coding transcript variant (2).
Genome position (GRCh38, 1-based): chr6:98,905,518, C>A on the plus strand (G>T on the coding strand, the complement: FBXL4 is on the minus strand). VCF-style: chr6-98905518-C-A. GRCh37 (hg19) VCF-style: chr6-99353394-C-A.
Other names: c.1011G>T, p.Leu337= (NM_012160.5).
Identifiers: ClinVar variation 437675 (VCV000437675.1), dbSNP rs770241351, ClinGen allele CA3933563.
Genomic context (GRCh38, chr6:98,905,518, plus strand): 5'-ATTGCCAGTCCAAGATAAATTAAGCCACTGGACAAGAGTGCAGCGAGACTGTAGAAATTC[C>A]AGAGAAGTGTCATCTAGTTTTGCCCAGTATGGTTGCAGATTGAGGTGGATGTATTGCAGA-3'
Protein context (NP_001265645.1, residues 327-347): PYWAKLDDTS[Leu337=]EFLQSRCTLV

ClinVar aggregate classification (germline): Uncertain significance (1 of 4 stars; one submission).

Conditions:
Mitochondrial DNA depletion syndrome 13. Also called: FBXL4-Related Encephalomyopathic Mitochondrial DNA Depletion Syndrome; Mitochondrial DNA depletion syndrome 13 (encephalomyopathic type). Identifiers: Orphanet 369897, MedGen C3809592, MONDO:0014198, OMIM 615471.

Allele frequency attached by ClinVar (database versions not stated): gnomAD exomes below 0.00001 and 0.00002; gnomAD 0.00001; TOPMed 0.00001; ExAC 0.00002.
gnomAD v4.1: 4 of 1,613,844 alleles (0.00025%); highest among the groups gnomAD compares: East Asian, 0.0089%; no homozygotes.

Submission:

Wong Mito Lab, Molecular and Human Genetics, Baylor College of Medicine
Classification: Uncertain significance for Mitochondrial DNA depletion syndrome 13. Last evaluated: 2017-08-10. Review status: criteria provided, single submitter. Criteria: ACMG Guidelines, 2015. Collection method: reference population. Allele origin: germline.
Comment: The NM_012160.4:c.1011G>T (NP_036292.2:p.Leu337=) [GRCH38: NC_000006.12:g.98905518C>A] variant in FBXL4 gene is interpretated to be a Uncertain Significance - Insufficient Evidence based on ACMG guidelines (PMID: 25741868). This variant meets one or more of the following evidence codes reported in the ACMG-guideline. PM2:This variant is absent in key population databases. PP3:Computational evidence/predictors indicate the variant has deleterious effect on FBXL4 structure, function, or protein-protein interaction. Based on this evidence code ClinGen Pathogenicity Calculator (PMID:28081714) suggested that the variant is Uncertain Significance - Insufficient Evidence.